The following is an entry in ClinVar:

NM_033409.4(SLC52A3):c.1143G>A (p.Ala381=)

Gene: SLC52A3 (solute carrier family 52 member 3; minus strand). Cytogenetic location: 20p13.
Variant type: single nucleotide variant.
Coding change: c.1143G>A on transcript NM_033409.4 (MANE Select); coding-DNA position 1143, G replaced by A.
Protein change: p.Ala381=; no amino-acid change (alanine 381 retained).
Molecular consequence: synonymous variant.
Genome position (GRCh38, 1-based): chr20:761,755, C>T on the plus strand (G>A on the coding strand, the complement: SLC52A3 is on the minus strand). VCF-style: chr20-761755-C-T. GRCh37 (hg19) VCF-style: chr20-742399-C-T.
Other names: c.1143G>A (NM_033409.3); c.1143G>A, p.Ala381= (NM_001370085.1, NM_001370086.1).
Identifiers: ClinVar variation 1607184 (VCV001607184.10), dbSNP rs756997756, ClinGen allele CA9724586.

ClinVar aggregate classification (germline): Likely benign. Review status: criteria provided, multiple submitters, no conflicts (2 of 4 stars). 3 submissions from 3 submitters: Likely benign (3). Last evaluated 2026-01-20.

Conditions:
Brown-Vialetto-van Laere syndrome 1. Also called: BROWN-VIALETTO-VAN LAERE SYNDROME 1, MILD; BULBAR PALSY, PROGRESSIVE, WITH SENSORINEURAL DEAFNESS; PONTOBULBAR PALSY WITH DEAFNESS. Identifiers: Orphanet 572550, Orphanet 97229, MedGen C0796274, MONDO:0024537, OMIM 211530.
SLC52A3-related disorder. Also called: SLC52A3-related condition.

Allele frequency attached by ClinVar (database versions not stated): gnomAD exomes 0.00002; TOPMed 0.00002; ExAC 0.00003; gnomAD 0.00001.
gnomAD v4.1: 26 of 1,614,046 alleles (0.0016%); highest among the groups gnomAD compares: Middle Eastern, 0.049%; no homozygotes.

Submissions (3):

Labcorp Genetics (formerly Invitae), Labcorp
Classification: Likely benign for Brown-Vialetto-van Laere syndrome 1. Last evaluated: 2026-01-20. Review status: criteria provided, single submitter. Criteria: Invitae Variant Classification Sherloc (09022015). Collection method: clinical testing. Allele origin: germline.

PreventionGenetics, part of Exact Sciences
Classification: Likely benign for SLC52A3-related condition. Last evaluated: 2025-03-19. Review status: criteria provided, single submitter. Criteria: ACMG Guidelines, 2015. Collection method: clinical testing. Allele origin: germline.
Comment: This variant is classified as likely benign based on ACMG/AMP sequence variant interpretation guidelines (Richards et al. 2015 PMID: 25741868, with internal and published modifications).

Blueprint Genetics
Classification: Likely benign. Last evaluated: 2024-10-24. Review status: criteria provided, single submitter. Criteria: ACMG Guidelines, 2015. Collection method: clinical testing. Allele origin: germline.